The following is an entry in ClinVar:

NM_000161.3(GCH1):c.262C>G (p.Arg88Gly)

Gene: GCH1 (GTP cyclohydrolase 1; minus strand). Cytogenetic location: 14q22.2.
Variant type: single nucleotide variant.
Coding change: c.262C>G on transcript NM_000161.3 (MANE Select); coding-DNA position 262, C replaced by G.
Protein change: p.Arg88Gly; replaces arginine 88 with glycine.
Molecular consequence: missense variant.
Genome position (GRCh38, 1-based): chr14:54,902,402, G>C on the plus strand (C>G on the coding strand, the complement: GCH1 is on the minus strand). VCF-style: chr14-54902402-G-C. GRCh37 (hg19) VCF-style: chr14-55369120-G-C.
Other names: c.262C>G, p.Arg88Gly (NM_001024024.2, NM_001024070.2, NM_001024071.2 and 1 more transcripts); short protein forms R88G.
Identifiers: ClinVar variation 3776121 (VCV003776121.2).

ClinVar aggregate classification (germline): Likely pathogenic. Review status: criteria provided, multiple submitters, no conflicts (2 of 4 stars). 2 submissions from 2 submitters: Likely pathogenic (2). Last evaluated 2023-10-25.

Conditions:
Dystonia 5 (DRD). Also called: DYSTONIA, PROGRESSIVE, WITH DIURNAL VARIATION; DYSTONIA-PARKINSONISM WITH DIURNAL FLUCTUATION; GTP Cyclohydrolase 1-Deficient Dopa-Responsive Dystonia; DYT-GCH1; Dystonia, DOPA-responsive, with or without hyperphenylalaninemia. Identifiers: Orphanet 98808, MedGen C1851920, MONDO:0007495, OMIM 128230.
GCH1-related disorder. Also called: GCH1-related condition.

gnomAD v4.1: 1 of 1,613,144 alleles (0.000062%); highest among the groups gnomAD compares: Non-Finnish European, 0.000085%; no homozygotes.

Submissions (2):

3billion
Classification: Likely pathogenic for Dystonia 5. Last evaluated: 2023-10-25. Review status: criteria provided, single submitter. Criteria: ACMG Guidelines, 2015. Collection method: clinical testing. Allele origin: germline. Affected: yes.
Comment: The variant is observed at an extremely low frequency in the gnomAD v2.1.1 dataset (total allele frequency: <0.001%). Predicted Consequence/Location: Missense variant In silico tool predictions suggest damaging effect of the variant on gene or gene product [REVEL: 0.92 (>=0.6, sensitivity 0.68 and specificity 0.92); 3Cnet: 0.98 (>=0.6, sensitivity 0.72 and precision 0.9)]. Same nucleotide change resulting in same amino acid change has been previously reported to be associated with GCH1-related disorder (PMID: 15753436). Different missense changes at the same codon (p.Arg88Gln, p.Arg88Leu, p.Arg88Pro, p.Arg88Trp) have been reported as pathogenic/likely pathogenic with strong evidence (ClinVar ID: VCV000009271, VCV001180755 /PMID: 29289916, 34054692, 7874165, 8852666). Therefore, this variant is classified as Likely pathogenic according to the recommendation of ACMG/AMP guideline.

Blueprint Genetics
Classification: Likely pathogenic for GCH1-related disorders. Last evaluated: 2021-12-29. Review status: criteria provided, single submitter. Criteria: ACMG Guidelines, 2015. Collection method: clinical testing. Allele origin: germline. Affected: yes. Observed: 1 variant allele.

Literature cited by the submitters: PubMed 15753436 (cited by 3billion); PubMed 29289916 (cited by 3billion).